The following is an entry in ClinVar:

NM_000260.4(MYO7A):c.3878_3879del (p.Leu1293fs)

Gene: MYO7A (myosin VIIA; plus strand). Cytogenetic location: 11q13.5.
Variant type: Microsatellite.
Coding change: c.3878_3879del on transcript NM_000260.4 (MANE Select); coding-DNA positions 3878 to 3879, 2 bases deleted (TC; older notation c.3878_3879delTC).
Protein change: p.Leu1293fs; shifts the reading frame from leucine 1293.
Molecular consequence: frameshift variant.
Genome position (GRCh38, 1-based): chr11:77,190,824-77,190,825, TC deleted; deleting any 2 consecutive bases within chr11:77,190,818-77,190,825 gives the same sequence; the c. name uses the placement nearest the transcript's 3' end. VCF-style (leftmost placement, unchanged base first): chr11-77190817-ATC-A. GRCh37 (hg19) VCF-style: chr11-76901862-ATC-A.
Other names: c.3878_3879del, p.Leu1293fs (NM_001127180.2); c.3845_3846del, p.Leu1282fs (NM_001369365.1); short protein forms L1282fs, L1293fs.
Identifiers: ClinVar variation 813431 (VCV000813431.5), dbSNP rs760251968, ClinGen allele CA224844122.

ClinVar aggregate classification (germline): Pathogenic/Likely pathogenic. Review status: criteria provided, multiple submitters, no conflicts (2 of 4 stars). 3 submissions from 3 submitters: Pathogenic (2); Likely pathogenic (1). Last evaluated 2023-08-21.

Conditions:
Usher syndrome type 1 (USH1). Also called: RETINITIS PIGMENTOSA AND CONGENITAL DEAFNESS. Identifiers: Orphanet 231169, Orphanet 886, MedGen C1568247, MONDO:0010168, OMIM 276900.
MYO7A-related disorder. Also called: MYO7A-related disorders.

Submissions (3):

Blueprint Genetics
Classification: Likely pathogenic for MYO7A-related disorders. Last evaluated: 2023-08-21. Review status: criteria provided, single submitter. Criteria: ACMG Guidelines, 2015. Collection method: clinical testing. Allele origin: germline. Affected: yes. Observed: 4 variant alleles.

Labcorp Genetics (formerly Invitae), Labcorp
Classification: Pathogenic. Last evaluated: 2023-01-18. Review status: criteria provided, single submitter. Criteria: Invitae Variant Classification Sherloc (09022015). Collection method: clinical testing. Allele origin: germline.
Comment: For these reasons, this variant has been classified as Pathogenic. ClinVar contains an entry for this variant (Variation ID: 813431). This premature translational stop signal has been observed in individual(s) with autosomal recessive Usher syndrome (PMID: 27460420, 31479088). This variant is not present in population databases (gnomAD no frequency). This sequence change creates a premature translational stop signal (p.Leu1293Glnfs*14) in the MYO7A gene. It is expected to result in an absent or disrupted protein product. Loss-of-function variants in MYO7A are known to be pathogenic (PMID: 8900236, 25404053).

Baylor Genetics
Classification: Pathogenic for Usher syndrome type 1. Review status: criteria provided, single submitter. Criteria: ACMG Guidelines, 2015. Collection method: clinical testing. Allele origin: germline.

Literature cited by the submitters: PubMed 27460420 (cited by Labcorp Genetics (formerly Invitae), Labcorp); PubMed 31479088 (cited by Labcorp Genetics (formerly Invitae), Labcorp); PubMed 8900236 (cited by Labcorp Genetics (formerly Invitae), Labcorp); PubMed 25404053 (cited by Labcorp Genetics (formerly Invitae), Labcorp).